The following is an entry in ClinVar:

ClinVar aggregate classification (germline): Likely benign (1 of 4 stars; one submission).

gnomAD v4.1: 38 of 1,209,811 alleles (0.0031%); highest among the groups gnomAD compares: South Asian, 0.067%; no homozygotes.

Submission:

CeGaT Center for Human Genetics Tuebingen
Classification: Likely benign. Last evaluated: 2024-07-01. Review status: criteria provided, single submitter. Criteria: CeGaT Center For Human Genetics Tuebingen Variant Classification Criteria Version 2. Collection method: clinical testing. Allele origin: germline. Affected: yes. Observed: 1 variant allele.
Comment: IL1RAPL1: BP4, BP7, BS2

NM_014271.4(IL1RAPL1):c.216C>T (p.Leu72=)

Gene: IL1RAPL1 (interleukin 1 receptor accessory protein like 1; plus strand). Cytogenetic location: Xp21.3.
Variant type: single nucleotide variant.
Coding change: c.216C>T on transcript NM_014271.4 (MANE Select); coding-DNA position 216, C replaced by T.
Protein change: p.Leu72=; no amino-acid change (leucine 72 retained).
Molecular consequence: synonymous variant.
Genome position (GRCh38, 1-based): chrX:29,283,071, C>T. VCF-style: chrX-29283071-C-T. GRCh37 (hg19) VCF-style: chrX-29301188-C-T.
Identifiers: ClinVar variation 3257260 (VCV003257260.17).